The following is an entry in ClinVar:

NM_001909.5(CTSD):c.824_827+30del

Gene: CTSD (cathepsin D; minus strand). Cytogenetic location: 11p15.5.
Variant type: Deletion.
Coding change: c.824_827+30del on transcript NM_001909.5 (MANE Select); coding-DNA position 824 through 30 bases into the intron after coding-DNA position 827, 34 bases deleted.
Molecular consequence: splice donor variant.
Genome position (GRCh38, 1-based): chr11:1,754,876-1,754,909, 34 bases deleted; deleting any 34 consecutive bases within chr11:1,754,876-1,754,914 gives the same sequence; the c. name uses the placement nearest the transcript's 3' end. GRCh37 (hg19): chr11:1,776,111-1,776,144.
Identifiers: ClinVar variation 1525093 (VCV001525093.6), dbSNP rs2133659840, ClinGen allele CA2573146008.

ClinVar aggregate classification (germline): Likely pathogenic (1 of 4 stars; one submission).

Conditions:
Neuronal ceroid lipofuscinosis. Also called: Neuronal Ceroid Lipofuscinoses. Identifiers: Orphanet 216, Orphanet 79263, MedGen C0027877, MONDO:0016295. Disease mechanism: loss of function.

Submission:

Labcorp Genetics (formerly Invitae), Labcorp
Classification: Likely pathogenic for Neuronal ceroid lipofuscinosis. Last evaluated: 2021-09-15. Review status: criteria provided, single submitter. Criteria: Invitae Variant Classification Sherloc (09022015). Collection method: clinical testing. Allele origin: germline.
Comment: This variant is not present in population databases (ExAC no frequency). This variant results in the deletion of part of exon 6 (c.824_827+30del) of the CTSD gene. It is expected to disrupt RNA splicing. Variants that disrupt the donor or acceptor splice site typically lead to a loss of protein function (PMID: 16199547), and loss-of-function variants in CTSD are known to be pathogenic (PMID: 16670177, 26059544). This variant has not been reported in the literature in individuals affected with CTSD-related conditions. In summary, the currently available evidence indicates that the variant is pathogenic, but additional data are needed to prove that conclusively. Therefore, this variant has been classified as Likely Pathogenic. Algorithms developed to predict the effect of sequence changes on RNA splicing suggest that this variant may disrupt the consensus splice site.

Literature cited by the submitters: PubMed 16199547; PubMed 16670177; PubMed 26059544.